The following is an entry in ClinVar:

NM_000044.6(AR):c.2438T>C (p.Leu813Pro)

Gene: AR (androgen receptor; plus strand). Cytogenetic location: Xq12.
Variant type: single nucleotide variant.
Coding change: c.2438T>C on transcript NM_000044.6 (MANE Select); coding-DNA position 2438, T replaced by C.
Protein change: p.Leu813Pro; replaces leucine 813 with proline.
Molecular consequence: missense variant.
Genome position (GRCh38, 1-based): chrX:67,721,952, T>C. VCF-style: chrX-67721952-T-C. GRCh37 (hg19) VCF-style: chrX-66941794-T-C.
Other names: c.842T>C, p.Leu281Pro (NM_001011645.3); short protein forms L813P, L281P.
Identifiers: ClinVar variation 449459 (VCV000449459.2), dbSNP rs1555997626, ClinGen allele CA413427075.

ClinVar aggregate classification (germline): Pathogenic (1 of 4 stars; one submission).

Submission:

GeneDx
Classification: Pathogenic. Last evaluated: 2017-10-31. Review status: criteria provided, single submitter. Criteria: GeneDx Variant Classification (06012015). Collection method: clinical testing. Allele origin: germline. Affected: yes.
Comment: The L813P missense variant in the AR gene has been reported previously, as L812P using alternate nomenclature, in association with complete androgen insensitivity syndrome (CAIS) (Jaaskelainen et al., 2006). The L813P variant is not observed in large population cohorts (Lek et al., 2016). This substitution occurs at a position in the ligand binding domain that is conserved in mammals. The AR gene has a low rate of benign missense variation and missense variants are a common mechanism of disease. In silico analysis predicts this variant is probably damaging to the protein structure/function. A functional study reports this variant (reported as L812 using alternate nomenclature) abolished AR ligand binding and greatly reduced luciferase activity (Jaaskelainen et al., 2006), supporting the functional importance of this region of the protein.